The following is an entry in ClinVar:

NM_006269.2(RP1):c.5045dup (p.Ser1683fs)

Genes: RP1 (RP1 axonemal microtubule associated; plus strand), LOC126860392 (CDK7 strongly-dependent group 2 enhancer GRCh37_chr8:55541319-55542518; plus strand). Cytogenetic location: 8q12.1.
Variant type: Duplication.
Coding change: c.5045dup on transcript NM_006269.2 (MANE Select); coding-DNA position 5045, one base duplicated (C; older notation c.5045dupC).
Protein change: p.Ser1683fs; shifts the reading frame from serine 1683.
Molecular consequence: frameshift variant. On other transcripts: intron variant (1).
Genome position (GRCh38, 1-based): chr8:54,628,927, C duplicated. VCF-style (leftmost placement, unchanged base first): chr8-54628926-T-TC. GRCh37 (hg19) VCF-style: chr8-55541486-T-TC.
Other names: c.787+6639dup (NM_001375654.1); short protein forms S1683fs.
Identifiers: ClinVar variation 5019634 (VCV005019634.1).
Genomic context (GRCh38, chr8:54,628,926, plus strand): 5'-GTGGAATTTCAGTGTTCCAGGAAAGCAAGTCTTTATGATTCTGAAGGGCAGTCATTTGGC[T>TC]CTTCTGAACAGGTATCTAGTAGTTCATCTATGTTGCAGGAATTCCAGGAGGAAAGACAAG-3'

ClinVar aggregate classification (germline): Likely pathogenic (1 of 4 stars; one submission).

Conditions:
Retinitis pigmentosa 1 (RP1). Identifiers: Orphanet 791, MedGen C0220701, MONDO:0008377, OMIM 180100.

Submission:

Juno Genomics, Hangzhou Juno Genomics, Inc
Classification: Likely pathogenic for Retinitis pigmentosa 1. Review status: criteria provided, single submitter. Criteria: ACMG Guidelines, 2015. Collection method: clinical testing. Allele origin: germline. Affected: yes.
Comment: Absent from controls (or at extremely low frequency if recessive) in Genome Aggregation Database.;Null variant in a gene where loss of function (LOF) is a known mechanism of disease.;Patient's phenotype or family history is highly specific for a disease with a single genetic etiology.